The following is an entry in ClinVar:

ClinVar aggregate classification (germline): Uncertain significance (1 of 4 stars; one submission).

Conditions:
Megaconial type congenital muscular dystrophy (MDCMC). Also called: CHKB-Related Muscle Diseases; MUSCULAR DYSTROPHY, CONGENITAL, WITH MITOCHONDRIAL STRUCTURAL ABNORMALITIES; CHKB-Related Muscular Dystrophy. Identifiers: Orphanet 280671, MedGen C1865233, MONDO:0011246, OMIM 602541.

Allele frequency attached by ClinVar (database versions not stated): gnomAD exomes 0.00002; gnomAD 0.00003 and 0.00004; ExAC 0.00004; TOPMed 0.00004.
gnomAD v4.1: 16 of 1,594,634 alleles (0.001%); highest among the groups gnomAD compares: African/African-American, 0.021%; no homozygotes.

Submission:

Labcorp Genetics (formerly Invitae), Labcorp
Classification: Uncertain significance for Megaconial type congenital muscular dystrophy. Last evaluated: 2025-07-13. Review status: criteria provided, single submitter. Criteria: Invitae Variant Classification Sherloc (09022015). Collection method: clinical testing. Allele origin: germline.
Comment: This sequence change replaces proline, which is neutral and non-polar, with leucine, which is neutral and non-polar, at codon 98 of the CHKB protein (p.Pro98Leu). The frequency data for this variant in the population databases is considered unreliable, as metrics indicate poor data quality at this position in the gnomAD database. This missense change has been observed in individual(s) with clinical features of CHKB-related conditions (internal data). In at least one individual the data is consistent with being in trans (on the opposite chromosome) from a pathogenic variant. It has also been observed to segregate with disease in related individuals. ClinVar contains an entry for this variant (Variation ID: 1054389). Invitae Evidence Modeling of protein sequence and biophysical properties (such as structural, functional, and spatial information, amino acid conservation, physicochemical variation, residue mobility, and thermodynamic stability) indicates that this missense variant is expected to disrupt CHKB protein function with a positive predictive value of 80%. In summary, the available evidence is currently insufficient to determine the role of this variant in disease. Therefore, it has been classified as a Variant of Uncertain Significance.

NM_005198.5(CHKB):c.293C>T (p.Pro98Leu)

Genes: CHKB-CPT1B (CHKB-CPT1B readthrough (NMD candidate); minus strand), CHKB (choline kinase beta; minus strand). Cytogenetic location: 22q13.33.
Variant type: single nucleotide variant.
Coding change: c.293C>T on transcript NM_005198.5 (MANE Select); coding-DNA position 293, C replaced by T.
Protein change: p.Pro98Leu; replaces proline 98 with leucine.
Molecular consequence: missense variant. On other transcripts: non-coding transcript variant (1).
Genome position (GRCh38, 1-based): chr22:50,582,289, G>A on the plus strand (C>T on the coding strand, the complement: CHKB is on the minus strand). VCF-style: chr22-50582289-G-A. GRCh37 (hg19) VCF-style: chr22-51020718-G-A.
Other names: short protein forms P98L.
Identifiers: ClinVar variation 1054389 (VCV001054389.7), dbSNP rs750678988, ClinGen allele CA10323831.
Genomic context (GRCh38, chr22:50,582,289, plus strand): 5'-GGCGCTCACACCCCCCTCACCTGCAAGATGGCTCCGTACAGCCGCAGAAGCACCTCCCGG[G>A]GCTCCTCGCCAACGCTGGGCAGGTGGTCCGGGAGCGAGCAGCGGAAGAGCAGGTTGCTGA-3'
Protein context (NP_005189.2, residues 88-108): PDHLPSVGEE[Pro98Leu]REVLLRLYGA